The following is an entry in ClinVar:

NM_000182.5(HADHA):c.1789A>G (p.Lys597Glu)

Genes: HADHA (hydroxyacyl-CoA dehydrogenase trifunctional multienzyme complex subunit alpha; minus strand), GAREM2 (GRB2 associated regulator of MAPK1 subtype 2; plus strand). Cytogenetic location: 2p23.3.
Variant type: single nucleotide variant.
Coding change: c.1789A>G on transcript NM_000182.5 (MANE Select); coding-DNA position 1789, A replaced by G.
Protein change: p.Lys597Glu; replaces lysine 597 with glutamic acid.
Molecular consequence: missense variant.
Genome position (GRCh38, 1-based): chr2:26,193,673, T>C on the plus strand (A>G on the coding strand, the complement: HADHA is on the minus strand). VCF-style: chr2-26193673-T-C. GRCh37 (hg19) VCF-style: chr2-26416542-T-C.
Other names: short protein forms K597E.
Identifiers: ClinVar variation 847236 (VCV000847236.8), dbSNP rs368455378, ClinGen allele CA1559457.

ClinVar aggregate classification (germline): Uncertain significance. Review status: criteria provided, single submitter (1 of 4 stars). 2 submissions from 2 submitters: Uncertain significance (1). 1 of the submissions does not count toward it. Last evaluated 2023-11-27.

Conditions:
Mitochondrial trifunctional protein deficiency. Identifiers: Orphanet 746, MedGen C1969443, MONDO:0012172.
Long chain 3-hydroxyacyl-CoA dehydrogenase deficiency. Also called: LCHAD Deficiency; Deficiency of long-chain 3-hydroxyacyl-coenzyme A dehydrogenase. Identifiers: Orphanet 5, MedGen C3711645, MONDO:0012173, OMIM 609016.

Allele frequency attached by ClinVar (database versions not stated): gnomAD exomes 0.00001 and 0.00003; ExAC 0.00004; gnomAD 0.00007 and 0.00008; ESP Exome Variant Server 0.00008; TOPMed 0.00010; 1000 Genomes Project 30x 0.00031; 1000 Genomes Project 0.00040.
gnomAD v4.1: 20 of 1,614,054 alleles (0.0012%); highest among the groups gnomAD compares: African/African-American, 0.024%; no homozygotes.

Submissions (2):

Labcorp Genetics (formerly Invitae), Labcorp
Classification: Uncertain significance for Mitochondrial trifunctional protein deficiency; Long chain 3-hydroxyacyl-CoA dehydrogenase deficiency. Last evaluated: 2023-11-27. Review status: criteria provided, single submitter. Criteria: Invitae Variant Classification Sherloc (09022015). Collection method: clinical testing. Allele origin: germline.
Comment: This sequence change replaces lysine, which is basic and polar, with glutamic acid, which is acidic and polar, at codon 597 of the HADHA protein (p.Lys597Glu). This variant is present in population databases (rs368455378, gnomAD 0.05%). This variant has not been reported in the literature in individuals affected with HADHA-related conditions. ClinVar contains an entry for this variant (Variation ID: 847236). Advanced modeling of protein sequence and biophysical properties (such as structural, functional, and spatial information, amino acid conservation, physicochemical variation, residue mobility, and thermodynamic stability) performed at Invitae indicates that this missense variant is not expected to disrupt HADHA protein function with a negative predictive value of 80%. In summary, the available evidence is currently insufficient to determine the role of this variant in disease. Therefore, it has been classified as a Variant of Uncertain Significance.

Natera, Inc.
Classification: Uncertain significance for Deficiency of long-chain 3-hydroxyacyl-coenzyme A dehydrogenase. Last evaluated: 2020-03-16. Review status: no assertion criteria provided. Collection method: clinical testing. Allele origin: germline. Not counted in ClinVar's aggregate classification.